The following is an entry in ClinVar:

ClinVar aggregate classification (germline): Conflicting classifications of pathogenicity. Review status: criteria provided, conflicting classifications (1 of 4 stars). 21 submissions from 20 submitters: Uncertain significance (15); Likely benign (3). 3 of the submissions do not count toward it. Last evaluated 2026-09-18.

Conditions:
MYBPC3-related disorder. Also called: MYBPC3-related disorders; MYBPC3-related condition; MYBPC3-related disease.
Cardiomyopathy, dilated, 1MM (CMD1MM). Identifiers: MedGen C3809346, MONDO:0800368.
Left ventricular noncompaction 10 (LVNC10). Identifiers: Orphanet 154, Orphanet 54260, MedGen C3715165, MONDO:0014163, OMIM 615396.
Cardiovascular phenotype. Identifiers: MedGen CN230736.
Hypertrophic cardiomyopathy 4. Also called: Familial hypertrophic cardiomyopathy 4. Identifiers: MedGen C1861862, MONDO:0007268, OMIM 115197.
Cardiomyopathy (CMYO). Also called: Cardiomyopathies. Identifiers: Orphanet 167848, MedGen C0878544, MONDO:0004994, HP:0001638. Inheritance: Various modes of inheritance.
Primary familial hypertrophic cardiomyopathy (HCM). Identifiers: Orphanet 99739, MedGen C0949658, MeSH D024741, MONDO:0024573. Inheritance: Various modes of inheritance.
Hypertrophic cardiomyopathy. Also called: HYPERTROPHIC MYOCARDIOPATHY. Identifiers: Orphanet 217569, MedGen C0007194, MeSH D002312, MONDO:0005045, HP:0001639.

Allele frequency attached by ClinVar (database versions not stated): TOPMed 0.00019; ExAC 0.00021; gnomAD 0.00023 and 0.00024; ESP Exome Variant Server 0.00031.
gnomAD v4.1: 553 of 1,613,830 alleles (0.034%); highest among the groups gnomAD compares: Non-Finnish European, 0.041%; 2 homozygotes.

Submissions 1 to 10 of 21:

PreventionGenetics, part of Exact Sciences
Classification: Uncertain significance for MYBPC3-related condition. Last evaluated: 2026-09-18. Review status: criteria provided, single submitter. Criteria: ACMG Guidelines, 2015. Collection method: clinical testing. Allele origin: germline.
Comment: The MYBPC3 c.1468G>A variant is predicted to result in the amino acid substitution p.Gly490Arg. This variant has been reported in individuals with MYBPC3-related phenotypes, including hypertrophic cardiomyopathy, dilated cardiomyopathy, and left ventricular noncompaction (Morita et al. 2006. PubMed ID: 16754800; Girolami et al. 2006. PubMed ID: 16858239; Probst et al. 2011. PubMed ID: 21551322; Norton et al. 2012. PubMed ID: 22337857; Bales et al. 2016. PubMed ID: 26936621). However, functional studies for this variant have not been reported and some individuals with this variant also had additional variants in MYBPC3 or other cardiomyopathy-related genes that are likely contributing to the phenotypes (Page et al. 2012. PubMed ID: 22267749; Bales et al. 2016. PubMed ID: 26936621). This variant is reported in 0.036% of alleles in individuals of European (Non-Finnish) descent in gnomAD and is interpreted as uncertain significance by most submitters in ClinVar (Variation ID: 42536). Although we suspect that this variant may be benign, at this time, the clinical significance of this variant is uncertain due to the absence of conclusive functional and genetic evidence.

Labcorp Genetics (formerly Invitae), Labcorp
Classification: Uncertain significance for Hypertrophic cardiomyopathy. Last evaluated: 2026-02-04. Review status: criteria provided, single submitter. Criteria: Invitae Variant Classification Sherloc (09022015). Collection method: clinical testing. Allele origin: germline.
Comment: This sequence change replaces glycine, which is neutral and non-polar, with arginine, which is basic and polar, at codon 490 of the MYBPC3 protein (p.Gly490Arg). This variant is present in population databases (rs200625851, gnomAD 0.04%), and has an allele count higher than expected for a pathogenic variant. This missense change has been observed in individual(s) with clinical features of MYBPC3-related conditions (PMID: 1853307, 15519027, 16858239, 18403758, 20215591, 20624503, 21551322, 22267749, 28794111, 32880476). ClinVar contains an entry for this variant (Variation ID: 42536). An algorithm developed to predict the effect of missense changes on protein structure and function (PolyPhen-2) suggests that this variant is likely to be disruptive. In summary, the available evidence is currently insufficient to determine the role of this variant in disease. Therefore, it has been classified as a Variant of Uncertain Significance.

Ambry Genetics
Classification: Uncertain significance for Cardiovascular phenotype. Last evaluated: 2025-10-29. Review status: criteria provided, single submitter. Criteria: Ambry Variant Classification Scheme 2023. Collection method: clinical testing. Allele origin: germline.
Comment: The p.G490R variant (also known as c.1468G>A), located in coding exon 17 of the MYBPC3 gene, results from a G to A substitution at nucleotide position 1468. The glycine at codon 490 is replaced by arginine, an amino acid with dissimilar properties. This variant has been reported in individuals with hypertrophic cardiomyopathy (HCM), dilated cardiomyopathy (DCM), and left ventricular non-compaction (LVNC); however, in several cases, this variant was found in conjunction with other alterations in MYBPC3 and other cardiac-related genes (Van Driest SL et al. J Am Coll Cardiol. 2004;44:1903-10; Morita H et al. Circulation. 2006;113:2697-705; Olivotto I et al. Mayo Clin Proc. 2008;83:630-8; Hershberger RE et al. Circ Cardiovasc Genet. 2010;3:155-61; Probst S et al. Circ Cardiovasc Genet. 2011;4:367-74; Page SP et al. Circ Cardiovasc Genet. 2012;5:156-66; Coppini R et al. J Am Coll Cardiol. 2014;64:2589-600; Bales ND et al. Pediatr Cardiol. 2016;37:845-51). Internal structural analysis indicated this variant may be structurally destabilizing (Ambry internal data). This amino acid position is highly conserved in available vertebrate species. In addition, this alteration is predicted to be deleterious by in silico analysis. Based on data from gnomAD, the frequency for this variant is above the maximum credible frequency for a disease-causing variant in this gene based on internally established thresholds (Karczewski et al. Nature. 2020 May;581(7809):434-443; Whiffin et al. Genet Med. 2017 10;19:1151-1158). Based on the available evidence, the clinical significance of this variant remains unclear.

GeneDx
Classification: Uncertain significance. Last evaluated: 2025-07-25. Review status: criteria provided, single submitter. Criteria: GeneDx Variant Classification Process June 2021. Collection method: clinical testing. Allele origin: germline. Affected: yes.
Comment: Reported numerous times in individuals with HCM, DCM, and/or LVNC referred for genetic testing at GeneDx and in published literature; however, multiple probands harbor additional cardiogenetic variants that likely contribute to their phenotype (PMID: 18403758, 15519027, 16754800, 20624503, 20215591, 21551322, 22267749, 23861362, 24503780, 26936621, 28794111, 30847666, 32880476, 35653365, 35200695); In silico analysis supports that this missense variant has a deleterious effect on protein structure/function; This variant is associated with the following publications: (PMID: 23299917, 25637381, 24055113, 16858239, 18533079, 22337857, 22267749, 23840593, 19293840, 20624503, 24510615, 20215591, 21551322, 15519027, 16754800, 26936621, 23861362, 25524337, 29555771, 28794111, 28518168, 31019283, 27066506, 24503780, 34426522, 30291343, 31980526, 31737537, 30847666, 32880476, 35200695, 35653365, 18403758, 37652022)

Molecular Diagnostic Laboratory for Inherited Cardiovascular Disease, Montreal Heart Institute
Classification: Uncertain significance for Cardiovascular phenotype. Last evaluated: 2025-04-09. Review status: criteria provided, single submitter. Criteria: ACMG Guidelines, 2015. Collection method: clinical testing. Allele origin: germline. Affected: yes.

Color Diagnostics, LLC DBA Color Health
Classification: Likely benign for Cardiomyopathy. Last evaluated: 2025-02-24. Review status: criteria provided, single submitter. Criteria: ACMG Guidelines, 2015. Collection method: clinical testing. Allele origin: germline.

Blueprint Genetics
Classification: Likely benign. Last evaluated: 2024-11-21. Review status: criteria provided, single submitter. Criteria: ACMG Guidelines, 2015. Collection method: clinical testing. Allele origin: germline.

CeGaT Center for Human Genetics Tuebingen
Classification: Likely benign. Last evaluated: 2024-10-01. Review status: criteria provided, single submitter. Criteria: CeGaT Center For Human Genetics Tuebingen Variant Classification Criteria Version 2. Collection method: clinical testing. Allele origin: germline. Affected: yes. Observed: 1 variant allele.
Comment: MYBPC3: BS2

All of Us Research Program, National Institutes of Health
Classification: Uncertain significance for Hypertrophic cardiomyopathy. Last evaluated: 2024-08-23. Review status: criteria provided, single submitter. Criteria: ACMG Guidelines, 2015. Collection method: clinical testing. Allele origin: germline. Inheritance: Autosomal dominant inheritance. Observed: 98 variant alleles, 98 heterozygotes.
Comment: This missense variant replaces glycine with arginine at codon 490 of the MYBPC3 protein. Computational prediction suggests that this variant may have deleterious impact on protein structure and function (internally defined REVEL score threshold >= 0.7, PMID: 27666373). To our knowledge, functional studies have not been reported for this variant. This variant has been reported in multiple individuals affected with hypertrophic cardiomyopathy (PMID: 15519027, 16858239, 18403758, 22267749, 26936621, 33495596, 35200695), three individuals with left ventricular non-compaction in two families (PMID: 21551322), and one individual with dilated cardiomyopathy (PMID: 22337857). However, this variant co-occurred with MYBPC3 pathogenic variants in three individuals with hypertrophic cardiomyopathy (PMID: 22267749, 26936621), suggesting that this variant is unlikely responsible for the disease observed in these individuals. This variant has also been identified in 60/280454 chromosomes (46/128326 Non-Finnish European) in the general population by the Genome Aggregation Database (gnomAD). The available evidence is insufficient to determine the role of this variant in disease conclusively. Therefore, this variant is classified as a Variant of Uncertain Significance.

This study involves interpretation of variants in research participants for the purpose of population health screening. Participant phenotype was not available at the time of variant classification. Additional details can be found in publication PMID: 35346344, PMCID: PMC8962531

CHEO Genetics Diagnostic Laboratory, Children's Hospital of Eastern Ontario
Classification: Uncertain significance for Cardiomyopathy. Last evaluated: 2023-04-04. Review status: criteria provided, single submitter. Criteria: ACMG Guidelines, 2015. Collection method: clinical testing. Allele origin: germline. Study: Canadian Open Genetics Repository.

NM_000256.3(MYBPC3):c.1468G>A (p.Gly490Arg)

Gene: MYBPC3 (myosin binding protein C3; minus strand). Cytogenetic location: 11p11.2.
Variant type: single nucleotide variant.
Coding change: c.1468G>A on transcript NM_000256.3 (MANE Select); coding-DNA position 1468, G replaced by A.
Protein change: p.Gly490Arg; replaces glycine 490 with arginine.
Molecular consequence: missense variant.
Genome position (GRCh38, 1-based): chr11:47,342,734, C>T on the plus strand (G>A on the coding strand, the complement: MYBPC3 is on the minus strand). VCF-style: chr11-47342734-C-T. GRCh37 (hg19) VCF-style: chr11-47364285-C-T.
Other names: short protein forms G490R.
Identifiers: ClinVar variation 42536 (VCV000042536.73), dbSNP rs200625851, ClinGen allele CA010424.